The following is an entry in ClinVar:

ClinVar aggregate classification (germline): Uncertain significance (1 of 4 stars; one submission).

Conditions:
EGFR-related lung cancer (EGFR). Identifiers: MedGen CN130014.

Allele frequency attached by ClinVar (database versions not stated): gnomAD exomes below 0.00001.
gnomAD v4.1: 9 of 1,614,066 alleles (0.00056%); highest among the groups gnomAD compares: Non-Finnish European, 0.00076%; no homozygotes.

Submission:

Labcorp Genetics (formerly Invitae), Labcorp
Classification: Uncertain significance for EGFR-related lung cancer. Last evaluated: 2025-06-03. Review status: criteria provided, single submitter. Criteria: Invitae Variant Classification Sherloc (09022015). Collection method: clinical testing. Allele origin: germline.
Comment: This sequence change replaces threonine, which is neutral and polar, with proline, which is neutral and non-polar, at codon 1145 of the EGFR protein (p.Thr1145Pro). This variant is present in population databases (no rsID available, gnomAD 0.0009%). This variant has not been reported in the literature in individuals affected with EGFR-related conditions. ClinVar contains an entry for this variant (Variation ID: 1403598). An algorithm developed to predict the effect of missense changes on protein structure and function outputs the following: PolyPhen-2: "Benign". The proline amino acid residue is found in multiple mammalian species, which suggests that this missense change does not adversely affect protein function. In summary, the available evidence is currently insufficient to determine the role of this variant in disease. Therefore, it has been classified as a Variant of Uncertain Significance.

NM_005228.5(EGFR):c.3433A>C (p.Thr1145Pro)

Gene: EGFR (epidermal growth factor receptor; plus strand). Cytogenetic location: 7p11.2.
Variant type: single nucleotide variant.
Coding change: c.3433A>C on transcript NM_005228.5 (MANE Select); coding-DNA position 3433, A replaced by C.
Protein change: p.Thr1145Pro; replaces threonine 1145 with proline.
Molecular consequence: missense variant.
Genome position (GRCh38, 1-based): chr7:55,205,417, A>C. VCF-style: chr7-55205417-A-C. GRCh37 (hg19) VCF-style: chr7-55273110-A-C.
Other names: c.3298A>C, p.Thr1100Pro (NM_001346899.2); c.3274A>C, p.Thr1092Pro (NM_001346900.2); c.2632A>C, p.Thr878Pro (NM_001346941.2); short protein forms T1092P, T1100P, T1145P, T878P.
Identifiers: ClinVar variation 1403598 (VCV001403598.6), dbSNP rs1452191951, ClinGen allele CA367584606.